The following is an entry in ClinVar:

ClinVar aggregate classification (germline): Benign. Review status: criteria provided, multiple submitters, no conflicts (2 of 4 stars). 2 submissions from 2 submitters: Benign (2). Last evaluated 2018-06-16.

Allele frequency attached by ClinVar (database versions not stated): gnomAD exomes 0.15968; gnomAD 0.20280 and 0.19922; 1000 Genomes Project 0.28734; TOPMed 0.21642; 1000 Genomes Project 30x 0.29138.

Submissions (10):

GeneDx
Classification: Benign. Last evaluated: 2018-06-16. Review status: criteria provided, single submitter. Criteria: GeneDx Variant Classification (06012015). Collection method: clinical testing. Allele origin: germline. Affected: yes.
Comment: This variant is considered likely benign or benign based on one or more of the following criteria: it is a conservative change, it occurs at a poorly conserved position in the protein, it is predicted to be benign by multiple in silico algorithms, and/or has population frequency not consistent with disease.

Breakthrough Genomics
Classification: Benign. Review status: criteria provided, single submitter. Criteria: ACMG Guidelines, 2015. Collection method: not provided. Allele origin: germline. Inheritance: Autosomal recessive inheritance. Affected: yes.

Dr. Peter K. Rogan Lab, Western University
No classification provided (evidence only). Condition: Malignant lymphoma, large B-cell, diffuse. Review status: no classification provided. Collection method: in vitro. Allele origin: not applicable. Functional consequence: retained intron. Not counted in ClinVar's aggregate classification.

Dr. Peter K. Rogan Lab, Western University
No classification provided (evidence only). Condition: Malignant lymphoma, large B-cell, diffuse. Review status: no classification provided. Collection method: in vitro. Allele origin: not applicable. Functional consequence: retained intron. Not counted in ClinVar's aggregate classification.

Dr. Peter K. Rogan Lab, Western University
No classification provided (evidence only). Condition: Malignant lymphoma, large B-cell, diffuse. Review status: no classification provided. Collection method: in vitro. Allele origin: not applicable. Functional consequence: retained intron. Not counted in ClinVar's aggregate classification.

Dr. Peter K. Rogan Lab, Western University
No classification provided (evidence only). Condition: Malignant lymphoma, large B-cell, diffuse. Review status: no classification provided. Collection method: in vitro. Allele origin: not applicable. Functional consequence: retained intron. Not counted in ClinVar's aggregate classification.

Dr. Peter K. Rogan Lab, Western University
No classification provided (evidence only). Condition: Malignant lymphoma, large B-cell, diffuse. Review status: no classification provided. Collection method: in vitro. Allele origin: not applicable. Functional consequence: retained intron. Not counted in ClinVar's aggregate classification.

Dr. Peter K. Rogan Lab, Western University
No classification provided (evidence only). Condition: Malignant lymphoma, large B-cell, diffuse. Review status: no classification provided. Collection method: in vitro. Allele origin: not applicable. Functional consequence: retained intron. Not counted in ClinVar's aggregate classification.

Dr. Peter K. Rogan Lab, Western University
No classification provided (evidence only). Condition: Cholangiocarcinoma. Review status: no classification provided. Collection method: in vitro. Allele origin: not applicable. Functional consequence: retained intron. Not counted in ClinVar's aggregate classification.

Dr. Peter K. Rogan Lab, Western University
No classification provided (evidence only). Condition: Uterine carcinosarcoma. Review status: no classification provided. Collection method: in vitro. Allele origin: not applicable. Functional consequence: retained intron. Not counted in ClinVar's aggregate classification.

NM_032273.4(TMEM126A):c.281-122C>G

Gene: TMEM126A (transmembrane protein 126A; plus strand). Cytogenetic location: 11q14.1.
Variant type: single nucleotide variant.
Coding change: c.281-122C>G on transcript NM_032273.4 (MANE Select); 122 bases into the intron before coding-DNA position 281, C replaced by G.
Molecular consequence: intron variant.
Genome position (GRCh38, 1-based): chr11:85,655,472, C>G. VCF-style: chr11-85655472-C-G. GRCh37 (hg19) VCF-style: chr11-85366516-C-G.
Other names: NC_000011.9:g.85366516C>G; c.71-122C>G (NM_001244735.2).
Identifiers: ClinVar variation 676442 (VCV000676442.3), dbSNP rs17148306, ClinGen allele CA15703840.
Genomic context (GRCh38, chr11:85,655,472, plus strand): 5'-TTATTCCTAGCTATTTTAAGTTACTCATAGATGTAATTATACCTTTTAACAGGCTTTGTA[C>G]AATTACATTTGATATATTACCTGAAAAATACCTGTGATACACAAAAGAGGATCTTACATT-3'